The following is an entry in ClinVar:

ClinVar aggregate classification (germline): Pathogenic. Review status: reviewed by expert panel (3 of 4 stars). 23 submissions from 23 submitters: Pathogenic (1). 22 of the submissions do not count toward it. Last evaluated 2024-11-26.

Conditions:
ATM-related cancer predisposition. Also called: ATM-related cancer susceptibility. Identifiers: MedGen CN377759, MONDO:0700270.
ATM-related disorder. Also called: ATM-related disorders; ATM-related condition.
Familial colorectal cancer type X. Identifiers: Orphanet 440437, MedGen C3896578, MONDO:0018604.
Breast and/or ovarian cancer. Identifiers: MedGen CN221562.
Hereditary cancer-predisposing syndrome. Also called: Neoplastic Syndromes, Hereditary; Tumor predisposition; Hereditary Cancer Syndrome; Hereditary neoplastic syndrome. Identifiers: Orphanet 140162, MedGen C0027672, MeSH D009386, MONDO:0015356.
Ataxia-telangiectasia syndrome (AT). Also called: Ataxia-telangiectasia, complementation group E; LOUIS-BAR SYNDROME; AT, COMPLEMENTATION GROUP C; Cerebello-oculocutaneous telangiectasia; Immunodeficiency with ataxia telangiectasia; ATAXIA-TELANGIECTASIA, COMPLEMENTATION GROUP A. Identifiers: Orphanet 100, MedGen C0004135, MONDO:0008840, OMIM 208900.
Familial cancer of breast. Also called: Hereditary breast cancer; BREAST CANCER, FAMILIAL; hereditary breast carcinoma. Identifiers: Orphanet 227535, MedGen C0346153, MONDO:0016419, OMIM 114480. Disease mechanism: loss of function.
Ataxia - telangiectasia variant. Identifiers: Orphanet 370109, MedGen C1876175, MONDO:0018266.

Allele frequency attached by ClinVar (database versions not stated): gnomAD 0.00005 and 0.00004; TOPMed 0.00005; gnomAD exomes 0.00002.
gnomAD v4.1: 96 of 1,163,090 alleles (0.0083%); highest among the groups gnomAD compares: Non-Finnish European, 0.011%; no homozygotes.

Submissions 1 to 6 of 23:

ClinGen Hereditary Breast, Ovarian and Pancreatic Cancer Variant Curation Expert Panel, ClinGen
Classification: Pathogenic for ATM-related cancer predisposition. Last evaluated: 2024-11-26. Review status: reviewed by expert panel. Criteria: ClinGen HBOP ACMG Specifications ATM V1.3.0. Collection method: curation. Allele origin: germline. Inheritance: Autosomal dominant inheritance.
Comment: The c.5763-1050A>G variant in ATM is an intronic variant which results in an intronic A>G substitution before coding exon 38 activating a cryptic splice site leading to alternative splicing. The variant has been observed to cause an insertion of 137 nucleotides of intronic sequence at position 5762 and a premature stop codon at position 1930. Some normal splicing has been reported in patients with ATM c.5763-1050A>G, thus, the splice effect is incomplete (PMIDs 8755918, 10330348, 11382771, 15174027, Ambry internal data). This variant has been detected in many individuals with Ataxia-Telangiectasia, some of whom were described as having a mild presentation and/or later age of onset (PMIDs 8755918, 26896183). The variant has also been reported to segregate with Ataxia-Telangiectasia in 6 affected family members from 3 families (PMIDs 8755918, 15174027). The variant has a minor allele frequency in gnomAD v2.1.1 of 0.00003 (PM2_Supporting, BS1, and BA1 are not met). ATM c.5763-1050A>G has been reported as a founder variant in the British Isles (PMID 9463314). In summary, this variant meets criteria to be classified as pathogenic for autosomal dominant ATM-related cancer predisposition and autosomal recessive Ataxia-Telangiectasia based on the ACMG/AMP criteria applied, as specified by the HBOP VCEP. (PVS1_Strong (RNA), PM3_Very Strong, PP1_Strong)

PreventionGenetics, part of Exact Sciences
Classification: Pathogenic for ATM-related condition. Last evaluated: 2026-06-23. Review status: criteria provided, single submitter. Criteria: ACMG Guidelines, 2015. Collection method: clinical testing. Allele origin: germline. Not counted in ClinVar's aggregate classification.
Comment: The ATM c.5763-1050A>G variant is predicted to interfere with splicing. This variant, also known as 5762ins137, has been reported in the homozygous and compound heterozygous states in multiple unrelated individuals with ataxia telangiectasia (Table 3, McConville et al. 1996. PubMed ID: 8755918; Table SI, Jackson et al 2016. PubMed ID: 26896183; Supplementary Table 1, Schon et al 2019. PubMed ID: 30549301). In vitro studies show this variant activates a leaky cryptic splice site that introduces a 137 bp insertion of intronic sequence into affected ATM transcripts, although a small amount of normal ATM transcript and protein is still produced likely resulting in the milder phenotypic presentation seen in patients with ataxia telangiectasia (McConville et al. 1996. PubMed ID: 8755918; Stewart et al. 2001. PubMed ID: 11382771). This variant has also been reported in individuals with breast cancer and pancreatic cancer (Table S2, Tavtigian et al. 2009 PubMed ID: 19781682; Table 2, Pritzlaff et al. 2016. PubMed ID: 28008555, Supplementary Table 2, Cremin et al. 2020. PubMed ID: 32255556). This variant is reported in 0.0080% of alleles in individuals of European (Non-Finnish) descent in gnomAD and is interpreted as likely pathogenic/pathogenic in ClinVar (Variation ID: 3021). Taken together, this variant is interpreted as pathogenic.

CeGaT Center for Human Genetics Tuebingen
Classification: Pathogenic. Last evaluated: 2026-03-01. Review status: criteria provided, single submitter. Criteria: CeGaT Center For Human Genetics Tuebingen Variant Classification Criteria Version 2. Collection method: clinical testing. Allele origin: germline. Affected: yes. Observed: 5 variant alleles. Not counted in ClinVar's aggregate classification.
Comment: ATM: PM3:Very Strong, PM2, PS3:Supporting

St. Jude Molecular Pathology, St. Jude Children's Research Hospital
Classification: Pathogenic for Ataxia-telangiectasia syndrome. Last evaluated: 2026-02-11. Review status: criteria provided, single submitter. Criteria: St. Jude Assertion Criteria 2020. Collection method: clinical testing. Allele origin: germline. Not counted in ClinVar's aggregate classification.
Comment: The ATM c.5763-1050A>G intronic change results in an A to G substitution at the -1050 position of intron 38 of the ATM gene. Algorithms that predict the impact of sequence changes on splicing indicate that this change may impact splicing. RNA studies have shown that this variant activates a cryptic splice site and causes abnormal splicing which results in a frameshift and premature protein truncation (PMID: 8755918, 10330348, 11382771). This variant has a maximum subpopulation frequency of 0.008% in gnomAD v2.1.1. This variant has been reported in the homozygous and compound heterozygous state in individuals with ataxia telangiectasia (PMID: 15174027, 8755918, 10234507, 12072877). In summary, this variant meets criteria to be classified as pathogenic.

Labcorp Genetics (formerly Invitae), Labcorp
Classification: Pathogenic for Ataxia-telangiectasia syndrome. Last evaluated: 2026-01-14. Review status: criteria provided, single submitter. Criteria: Invitae Variant Classification Sherloc (09022015). Collection method: clinical testing. Allele origin: germline. Not counted in ClinVar's aggregate classification.
Comment: This sequence change falls in intron 38 of the ATM gene. It does not directly change the encoded amino acid sequence of the ATM protein. RNA analysis indicates that this variant induces altered splicing and may result in an absent or altered protein product. This variant is present in population databases (rs774925473, gnomAD 0.01%). This variant has been observed in individual(s) with atypical ataxia-telangiectasia (characterized by later disease onset and/or slower disease progression and attenuated disease features than classical ataxia-telangiectasia) (PMID: 8755918, 8808599, 10330348, 21792198). In at least one individual the data is consistent with being in trans (on the opposite chromosome) from a pathogenic variant. This variant is also known as 5762ins137, the 4-1-8 variant, IVS40-1050A>G, IVS40+1126A>G, IVS40ins137, and 5763ins130. ClinVar contains an entry for this variant (Variation ID: 3021). Studies have shown that this variant results in activation of a cryptic splice site, and produces a non-functional protein and/or introduces a premature termination codon (internal data). For these reasons, this variant has been classified as Pathogenic.

Ambry Genetics
Classification: Pathogenic for Hereditary cancer-predisposing syndrome. Last evaluated: 2025-07-16. Review status: criteria provided, single submitter. Criteria: Ambry Variant Classification Scheme 2023. Collection method: clinical testing. Allele origin: germline. Not counted in ClinVar's aggregate classification.
Comment: The c.5763-1050A>G intronic pathogenic mutation results from an A to G substitution 1050 nucleotides before coding exon 38 in the ATM gene. This mutation is known to activate a cryptic splice donor site that results in the insertion of 137 nucleotides between coding exon 37 and coding exon 38, leading to a premature stop codon that is expected to trigger nonsense-mediated mRNA decay (McConville CM et al. Am. J. Hum. Genet. 1996 Aug;59:320-30; Stewart GS et al. J. Biol. Chem. 2001 Aug 10;276:30133-41). RNA studies have demonstrated that this alteration results in the same splicing event reported in the literature (Ambry internal data). Published studies have also shown that a normal mRNA transcript is produced from the affected allele, albeit at significantly reduced levels (McConville CM et al. Am. J. Hum. Genet. 1996 Aug;59:320-30; Teraoka SN et al. Am. J. Hum. Genet. 1999 Jun;64:1617-31; Sutton IJ et al. Ann. Neurol. 2004 Jun;55:891-5). This mutation has been observed in multiple ataxia telangiectasia (AT) cohorts in both the homozygous and compound heterozygous state, and due to the preservation of some normal ATM protein expression, AT individuals with at least one copy of this mutation show a relatively less severe phenotype than individuals with classic AT (McConville CM et al. Am. J. Hum. Genet. 1996 Aug;59:320-30; Stankovic T et al. Am. J. Hum. Genet. 1998 Feb;62:334-45; Teraoka SN et al. Am. J. Hum. Genet. 1999 Jun;64:1617-31; Sutton IJ et al. Ann. Neurol. 2004 Jun;55:891-5; Pritzlaff M et al. Breast Cancer Res. Treat. 2017 02;161(3):575-586). One study showed that two siblings who were homozygous for this mutation and had exceptionally mild AT phenotypes still had approximately 11% of the level of ATM protein expected in normal cells (Sutton IJ et al. Ann. Neurol. 2004 Jun;55:891-5). This mutation is considered a founder mutation originating in the British Isles, and is seen in the heterozygous state in approximately 15% of AT patients from the UK (Stewart GS et al. J. Biol. Chem. 2001 Aug 10;276:30133-41). Of note, this alteration is also designated as 5762ins137, IVS40-1050A>G, and IVS40+1126A>G in published literature. Based on the available evidence, this alteration is classified as a pathogenic mutation.

NM_000051.4(ATM):c.5763-1050A>G

Genes: ATM (ATM serine/threonine kinase; plus strand), C11orf65 (chromosome 11 open reading frame 65; minus strand). Cytogenetic location: 11q22.3.
Variant type: single nucleotide variant.
Coding change: c.5763-1050A>G on transcript NM_000051.4 (MANE Select); 1050 bases into the intron before coding-DNA position 5763, A replaced by G.
Molecular consequence: intron variant.
Genome position (GRCh38, 1-based): chr11:108,309,110, A>G. VCF-style: chr11-108309110-A-G. GRCh37 (hg19) VCF-style: chr11-108179837-A-G.
Other names: 5762ins137; c.5763-1050A>G (NM_001351834.2); c.641-39T>C (NM_001330368.2); c.*39-39T>C (NM_001351110.2).
Identifiers: ClinVar variation 3021 (VCV000003021.104), dbSNP rs774925473, ClinGen allele CA115927.